The following is an entry in ClinVar:

NM_001013736.3(FAM47C):c.1860A>G (p.Pro620=)

Gene: FAM47C (family with sequence similarity 47 member C; plus strand). Cytogenetic location: Xp21.1.
Variant type: single nucleotide variant.
Coding change: c.1860A>G on transcript NM_001013736.3 (MANE Select); coding-DNA position 1860, A replaced by G.
Protein change: p.Pro620=; no amino-acid change (proline 620 retained).
Molecular consequence: synonymous variant.
Genome position (GRCh38, 1-based): chrX:37,010,270, A>G. VCF-style: chrX-37010270-A-G. GRCh37 (hg19) VCF-style: chrX-37028343-A-G.
Identifiers: ClinVar variation 4821210 (VCV004821210.4).

ClinVar aggregate classification (germline): Likely benign (1 of 4 stars; one submission).

Submission:

CeGaT Center for Human Genetics Tuebingen
Classification: Likely benign. Last evaluated: 2026-01-01. Review status: criteria provided, single submitter. Criteria: CeGaT Center For Human Genetics Tuebingen Variant Classification Criteria Version 2. Collection method: clinical testing. Allele origin: germline. Affected: yes. Observed: 1 variant allele.
Comment: FAM47C: BP4, BP7